The following is an entry in ClinVar:

ClinVar aggregate classification (germline): Pathogenic/Likely pathogenic. Review status: criteria provided, multiple submitters, no conflicts (2 of 4 stars). 2 submissions from 2 submitters: Pathogenic (1); Likely pathogenic (1). Last evaluated 2025-10-07.

Conditions:
RMRP-related disorder. Also called: RMRP-related condition.
Anauxetic dysplasia. Identifiers: Orphanet 93347, MedGen C1846796, MONDO:0011773.

Submissions (2):

Labcorp Genetics (formerly Invitae), Labcorp
Classification: Pathogenic for Anauxetic dysplasia. Last evaluated: 2025-10-07. Review status: criteria provided, single submitter. Criteria: Invitae Variant Classification Sherloc (09022015). Collection method: clinical testing. Allele origin: germline.
Comment: This variant occurs in the RMRP gene, which encodes an RNA molecule that does not result in a protein product. This variant is not present in population databases (gnomAD no frequency). While this particular variant has not been reported in the literature, it is located in the promoter region between the TATA box and the transcription initiation site, and other insertions and duplications immediately upstream of the coding sequence have been reported in individuals affected with cartilage-hair hypoplasia-anauxetic dysplasia (CHH-AD) spectrum disorders (PMID: 16244706, 11207361, 12107819). ClinVar contains an entry for this variant (Variation ID: 641782). While functional studies for this variant have not been reported, experimental analyses using patient derived cells, as well as in vitro transfection studies, have shown that promoter insertions result in silencing of RMRP transcription and reduced expression of the gene product (PMID: 11207361, 16254002). For these reasons, this variant has been classified as Pathogenic.

Blueprint Genetics
Classification: Likely pathogenic for RMRP-related disorders. Last evaluated: 2023-03-01. Review status: criteria provided, single submitter. Criteria: ACMG Guidelines, 2015. Collection method: clinical testing. Allele origin: germline. Affected: yes. Observed: 2 variant alleles.

Literature cited by the submitters: PubMed 16244706 (cited by Labcorp Genetics (formerly Invitae), Labcorp); PubMed 11207361 (cited by Labcorp Genetics (formerly Invitae), Labcorp); PubMed 12107819 (cited by Labcorp Genetics (formerly Invitae), Labcorp); PubMed 16254002 (cited by Labcorp Genetics (formerly Invitae), Labcorp).

NC_000009.12:g.35658019_35658040dup

Gene: RMRP (RNA component of mitochondrial RNA processing endoribonuclease; minus strand). Cytogenetic location: 9p13.3.
Variant type: Duplication.
Genome position: GRCh38 VCF-style: chr9-35658018-C-CACGTCCTCAGCTTCACAGAGTA. GRCh37 (hg19) VCF-style: chr9-35658015-C-CACGTCCTCAGCTTCACAGAGTA.
Identifiers: ClinVar variation 641782 (VCV000641782.9), dbSNP rs1554651387, ClinGen allele CA915947441.